The following is an entry in ClinVar:

ClinVar aggregate classification (germline): Uncertain significance (1 of 4 stars; one submission).

Conditions:
Treacher Collins syndrome 1 (TCS1). Also called: TCOF1-Related Treacher Collins Syndrome. Identifiers: Orphanet 861, MedGen CN315775, MONDO:0007944, OMIM 154500.

Allele frequency attached by ClinVar (database versions not stated): gnomAD exomes below 0.00001 and 0.00001.
gnomAD v4.1: 3 of 1,613,998 alleles (0.00019%); highest among the groups gnomAD compares: Admixed American, 0.0033%; no homozygotes.

Submission:

Labcorp Genetics (formerly Invitae), Labcorp
Classification: Uncertain significance for Treacher Collins syndrome 1. Last evaluated: 2022-11-08. Review status: criteria provided, single submitter. Criteria: Invitae Variant Classification Sherloc (09022015). Collection method: clinical testing. Allele origin: germline.
Comment: In summary, the available evidence is currently insufficient to determine the role of this variant in disease. Therefore, it has been classified as a Variant of Uncertain Significance. Algorithms developed to predict the effect of missense changes on protein structure and function are either unavailable or do not agree on the potential impact of this missense change (SIFT: "Deleterious"; PolyPhen-2: "Possibly Damaging"; Align-GVGD: "Class C0"). ClinVar contains an entry for this variant (Variation ID: 577581). This variant has not been reported in the literature in individuals affected with TCOF1-related conditions. This variant is present in population databases (no rsID available, gnomAD 0.006%). This sequence change replaces isoleucine, which is neutral and non-polar, with valine, which is neutral and non-polar, at codon 1295 of the TCOF1 protein (p.Ile1295Val).

NM_001371623.1(TCOF1):c.3886A>G (p.Ile1296Val)

Gene: TCOF1 (treacle ribosome biogenesis factor 1; plus strand). Cytogenetic location: 5q32.
Variant type: single nucleotide variant.
Coding change: c.3886A>G on transcript NM_001371623.1 (MANE Select); coding-DNA position 3886, A replaced by G.
Protein change: p.Ile1296Val; replaces isoleucine 1296 with valine.
Molecular consequence: missense variant.
Genome position (GRCh38, 1-based): chr5:150,396,383, A>G. VCF-style: chr5-150396383-A-G. GRCh37 (hg19) VCF-style: chr5-149775946-A-G.
Other names: c.3652A>G, p.Ile1218Val (NM_000356.4); c.3883A>G, p.Ile1295Val (NM_001135243.2); c.3772A>G, p.Ile1258Val (NM_001135244.2); c.3655A>G, p.Ile1219Val (NM_001135245.2); c.3769A>G, p.Ile1257Val (NM_001195141.2); short protein forms I1218V, I1295V, I1257V, I1258V, I1219V, I1296V.
Identifiers: ClinVar variation 577581 (VCV000577581.9), dbSNP rs1297478685, ClinGen allele CA361741511.
Genomic context (GRCh38, chr5:150,396,383, plus strand): 5'-CGGAAGCCCAAGAAAGGGGCTGGGAACCCCCAAGCCTCAACCCTGGCGCTGCAAAGCAAC[A>G]TCACCCAGTGCCTCCTGGGCCAACCCTGGCCCCTGAATGAGGCCCAGGTGCAGGCCTCAG-3'
Protein context (NP_001358552.1, residues 1286-1306): QASTLALQSN[Ile1296Val]TQCLLGQPWP